The following is an entry in ClinVar:

ClinVar aggregate classification (germline): Uncertain significance (1 of 4 stars; one submission).

Conditions:
Neurofibromatosis, type 1 (NF1). Also called: VON RECKLINGHAUSEN DISEASE; NEUROFIBROMATOSIS, TYPE I, SOMATIC; Peripheral type neurofibromatosis; Neurofibromatosis, type I. Identifiers: Orphanet 636, MedGen C0027831, MONDO:0018975, OMIM 162200. Disease mechanism: loss of function.

Submission:

Labcorp Genetics (formerly Invitae), Labcorp
Classification: Uncertain significance for Neurofibromatosis, type 1. Last evaluated: 2021-11-02. Review status: criteria provided, single submitter. Criteria: Invitae Variant Classification Sherloc (09022015). Collection method: clinical testing. Allele origin: germline.
Comment: This variant is not present in population databases (gnomAD no frequency). This sequence change replaces isoleucine, which is neutral and non-polar, with leucine, which is neutral and non-polar, at codon 2542 of the NF1 protein (p.Ile2542Leu). In summary, the available evidence is currently insufficient to determine the role of this variant in disease. Therefore, it has been classified as a Variant of Uncertain Significance. Advanced modeling of protein sequence and biophysical properties (such as structural, functional, and spatial information, amino acid conservation, physicochemical variation, residue mobility, and thermodynamic stability) performed at Invitae indicates that this missense variant is not expected to disrupt NF1 protein function. This variant has not been reported in the literature in individuals affected with NF1-related conditions.

NM_001042492.3(NF1):c.7687A>C (p.Ile2563Leu)

Gene: NF1 (neurofibromin 1; plus strand). Cytogenetic location: 17q11.2.
Variant type: single nucleotide variant.
Coding change: c.7687A>C on transcript NM_001042492.3 (MANE Select); coding-DNA position 7687, A replaced by C.
Protein change: p.Ile2563Leu; replaces isoleucine 2563 with leucine.
Molecular consequence: missense variant.
Genome position (GRCh38, 1-based): chr17:31,356,531, A>C. VCF-style: chr17-31356531-A-C. GRCh37 (hg19) VCF-style: chr17-29683549-A-C.
Other names: c.7624A>C, p.Ile2542Leu (NM_000267.4); short protein forms I2563L, I2542L.
Identifiers: ClinVar variation 1506067 (VCV001506067.6), dbSNP rs1555536648, ClinGen allele CA399018131.